The following is an entry in ClinVar:

NM_002524.5(NRAS):c.325G>A (p.Val109Ile)

Gene: NRAS (NRAS proto-oncogene, GTPase; minus strand). Cytogenetic location: 1p13.2.
Variant type: single nucleotide variant.
Coding change: c.325G>A on transcript NM_002524.5 (MANE Select); coding-DNA position 325, G replaced by A.
Protein change: p.Val109Ile; replaces valine 109 with isoleucine.
Molecular consequence: missense variant.
Genome position (GRCh38, 1-based): chr1:114,709,694, C>T on the plus strand (G>A on the coding strand, the complement: NRAS is on the minus strand). VCF-style: chr1-114709694-C-T. GRCh37 (hg19) VCF-style: chr1-115252315-C-T.
Other names: short protein forms V109I.
Identifiers: ClinVar variation 2146548 (VCV002146548.4), dbSNP rs730880966, ClinGen allele CA341739635.

ClinVar aggregate classification (germline): Uncertain significance (1 of 4 stars; one submission).

Conditions:
RASopathy. Also called: rasopathies; Noonan spectrum disorder. Identifiers: Orphanet 536391, MedGen C5555857, MONDO:0021060.

gnomAD v4.1: 1 of 1,613,696 alleles (0.000062%); highest among the groups gnomAD compares: East Asian, 0.0022%; no homozygotes.

Submission:

Labcorp Genetics (formerly Invitae), Labcorp
Classification: Uncertain significance for RASopathy. Last evaluated: 2022-05-05. Review status: criteria provided, single submitter. Criteria: Invitae Variant Classification Sherloc (09022015). Collection method: clinical testing. Allele origin: germline.
Comment: Advanced modeling of protein sequence and biophysical properties (such as structural, functional, and spatial information, amino acid conservation, physicochemical variation, residue mobility, and thermodynamic stability) performed at Invitae indicates that this missense variant is not expected to disrupt NRAS protein function. This variant has not been reported in the literature in individuals affected with NRAS-related conditions. This variant is present in population databases (no rsID available, gnomAD 0.006%). This sequence change replaces valine, which is neutral and non-polar, with isoleucine, which is neutral and non-polar, at codon 109 of the NRAS protein (p.Val109Ile). In summary, the available evidence is currently insufficient to determine the role of this variant in disease. Therefore, it has been classified as a Variant of Uncertain Significance.